The following is an entry in ClinVar:

NM_182914.3(SYNE2):c.7720T>A (p.Leu2574Ile)

Gene: SYNE2 (spectrin repeat containing nuclear envelope protein 2; plus strand). Cytogenetic location: 14q23.2.
Variant type: single nucleotide variant.
Coding change: c.7720T>A on transcript NM_182914.3 (MANE Select); coding-DNA position 7720, T replaced by A.
Protein change: p.Leu2574Ile; replaces leucine 2574 with isoleucine.
Molecular consequence: missense variant.
Genome position (GRCh38, 1-based): chr14:64,051,633, T>A. VCF-style: chr14-64051633-T-A. GRCh37 (hg19) VCF-style: chr14-64518351-T-A.
Other names: c.7720T>A, p.Leu2574Ile (NM_015180.6); short protein forms L2574I.
Identifiers: ClinVar variation 639713 (VCV000639713.15), dbSNP rs759148677, ClinGen allele CA7221006.

ClinVar aggregate classification (germline): Uncertain significance. Review status: criteria provided, multiple submitters, no conflicts (2 of 4 stars). 3 submissions from 3 submitters: Uncertain significance (3). Last evaluated 2025-07-23.

Conditions:
Emery-Dreifuss muscular dystrophy 5, autosomal dominant (EDMD5). Also called: EMERY-DREIFUSS MUSCULAR DYSTROPHY 5. Identifiers: Orphanet 261, MedGen C2751805, MONDO:0013072, OMIM 612999.

Allele frequency attached by ClinVar (database versions not stated): ExAC 0.00001; gnomAD exomes 0.00001 and 0.00004; TOPMed 0.00007; gnomAD 0.00009 and 0.00010.
gnomAD v4.1: 35 of 1,614,010 alleles (0.0022%); highest among the groups gnomAD compares: Admixed American, 0.017%; no homozygotes.

Submissions (3):

Labcorp Genetics (formerly Invitae), Labcorp
Classification: Uncertain significance for Emery-Dreifuss muscular dystrophy 5, autosomal dominant. Last evaluated: 2025-07-23. Review status: criteria provided, single submitter. Criteria: Invitae Variant Classification Sherloc (09022015). Collection method: clinical testing. Allele origin: germline.
Comment: This sequence change replaces leucine, which is neutral and non-polar, with isoleucine, which is neutral and non-polar, at codon 2574 of the SYNE2 protein (p.Leu2574Ile). This variant is present in population databases (rs759148677, gnomAD 0.01%). This variant has not been reported in the literature in individuals affected with SYNE2-related conditions. ClinVar contains an entry for this variant (Variation ID: 639713). An algorithm developed to predict the effect of missense changes on protein structure and function (PolyPhen-2) suggests that this variant is likely to be disruptive. In summary, the available evidence is currently insufficient to determine the role of this variant in disease. Therefore, it has been classified as a Variant of Uncertain Significance.

Ambry Genetics
Classification: Uncertain significance. Last evaluated: 2025-01-08. Review status: criteria provided, single submitter. Criteria: Ambry Variant Classification Scheme 2023. Collection method: clinical testing. Allele origin: germline.

Revvity Omics, Revvity
Classification: Uncertain significance for Emery-Dreifuss muscular dystrophy 5, autosomal dominant. Last evaluated: 2020-02-24. Review status: criteria provided, single submitter. Criteria: ACMG Guidelines, 2015. Collection method: clinical testing. Allele origin: germline.